The following is an entry in ClinVar:

NM_001329943.3(KIAA0586):c.1999T>C (p.Phe667Leu)

Gene: KIAA0586 (KIAA0586; plus strand). Cytogenetic location: 14q23.1.
Variant type: single nucleotide variant.
Coding change: c.1999T>C on transcript NM_001329943.3 (MANE Select); coding-DNA position 1999, T replaced by C.
Protein change: p.Phe667Leu; replaces phenylalanine 667 with leucine.
Molecular consequence: missense variant.
Genome position (GRCh38, 1-based): chr14:58,461,100, T>C. VCF-style: chr14-58461100-T-C. GRCh37 (hg19) VCF-style: chr14-58927818-T-C.
Other names: c.2158T>C, p.Phe720Leu (NM_001244189.2); c.1954T>C, p.Phe652Leu (NM_001244190.2); c.1744T>C, p.Phe582Leu (NM_001244191.2, NM_001329945.2, NM_001364700.1 and 1 more transcripts); c.1867T>C, p.Phe623Leu (NM_001244192.2); c.1579T>C, p.Phe527Leu (NM_001244193.2); c.1999T>C, p.Phe667Leu (NM_001329944.2, NM_001329946.2, NM_001329947.2); c.1771T>C, p.Phe591Leu (NM_014749.5); short protein forms F582L, F623L, F527L, F652L, F591L, F667L, F720L.
Identifiers: ClinVar variation 1997027 (VCV001997027.4), dbSNP rs2543155049, ClinGen allele CA389872820.

ClinVar aggregate classification (germline): Uncertain significance (1 of 4 stars; one submission).

Conditions:
Joubert syndrome 23 (JBTS23). Identifiers: Orphanet 475, MedGen C4084822, MONDO:0014664, OMIM 616490.
Short-rib thoracic dysplasia 14 with polydactyly (SRTD14). Identifiers: Orphanet 397715, MedGen C4225286, MONDO:0014688, OMIM 616546.

Submission:

Labcorp Genetics (formerly Invitae), Labcorp
Classification: Uncertain significance for Joubert syndrome 23; Short-rib thoracic dysplasia 14 with polydactyly. Last evaluated: 2022-05-30. Review status: criteria provided, single submitter. Criteria: Invitae Variant Classification Sherloc (09022015). Collection method: clinical testing. Allele origin: germline.
Comment: In summary, the available evidence is currently insufficient to determine the role of this variant in disease. Therefore, it has been classified as a Variant of Uncertain Significance. Algorithms developed to predict the effect of missense changes on protein structure and function are either unavailable or do not agree on the potential impact of this missense change (SIFT: "Deleterious"; PolyPhen-2: "Probably Damaging"; Align-GVGD: "Class C0"). This sequence change replaces phenylalanine, which is neutral and non-polar, with leucine, which is neutral and non-polar, at codon 720 of the KIAA0586 protein (p.Phe720Leu). This variant is not present in population databases (gnomAD no frequency). This variant has not been reported in the literature in individuals affected with KIAA0586-related conditions.